The following is an entry in ClinVar:

ClinVar aggregate classification (germline): Uncertain significance (1 of 4 stars; one submission).

Conditions:
Rienhoff syndrome. Also called: LOEYS-DIETZ SYNDROME 5. Identifiers: MedGen C3810012, MONDO:0014262, OMIM 615582.

Submission:

Labcorp Genetics (formerly Invitae), Labcorp
Classification: Uncertain significance for Rienhoff syndrome. Last evaluated: 2024-10-30. Review status: criteria provided, single submitter. Criteria: Invitae Variant Classification Sherloc (09022015). Collection method: clinical testing. Allele origin: germline.
Comment: This sequence change replaces tyrosine, which is neutral and polar, with histidine, which is basic and polar, at codon 73 of the TGFB3 protein (p.Tyr73His). This variant is not present in population databases (gnomAD no frequency). This variant has not been reported in the literature in individuals affected with TGFB3-related conditions. Invitae Evidence Modeling of protein sequence and biophysical properties (such as structural, functional, and spatial information, amino acid conservation, physicochemical variation, residue mobility, and thermodynamic stability) has been performed for this missense variant. However, the output from this modeling did not meet the statistical confidence thresholds required to predict the impact of this variant on TGFB3 protein function. In summary, the available evidence is currently insufficient to determine the role of this variant in disease. Therefore, it has been classified as a Variant of Uncertain Significance.

NM_003239.5(TGFB3):c.217T>C (p.Tyr73His)

Gene: TGFB3 (transforming growth factor beta 3; minus strand). Cytogenetic location: 14q24.3.
Variant type: single nucleotide variant.
Coding change: c.217T>C on transcript NM_003239.5 (MANE Select); coding-DNA position 217, T replaced by C.
Protein change: p.Tyr73His; replaces tyrosine 73 with histidine.
Molecular consequence: missense variant.
Genome position (GRCh38, 1-based): chr14:75,980,677, A>G on the plus strand (T>C on the coding strand, the complement: TGFB3 is on the minus strand). VCF-style: chr14-75980677-A-G. GRCh37 (hg19) VCF-style: chr14-76447020-A-G.
Other names: c.217T>C, p.Tyr73His (NM_001329938.2, NM_001329939.2); short protein forms Y73H.
Identifiers: ClinVar variation 3714214 (VCV003714214.2).